The following is an entry in ClinVar:

NM_001112741.2(KCNC1):c.327C>G (p.Tyr109Ter)

Gene: KCNC1 (potassium voltage-gated channel subfamily C member 1; plus strand). Cytogenetic location: 11p15.1.
Variant type: single nucleotide variant.
Coding change: c.327C>G on transcript NM_001112741.2 (MANE Select); coding-DNA position 327, C replaced by G.
Protein change: p.Tyr109Ter; replaces tyrosine 109 with a stop codon.
Molecular consequence: nonsense.
Genome position (GRCh38, 1-based): chr11:17,736,329, C>G. VCF-style: chr11-17736329-C-G. GRCh37 (hg19) VCF-style: chr11-17757876-C-G.
Other names: c.327C>G, p.Tyr109Ter (NM_004976.4); short protein forms Y109*.
Identifiers: ClinVar variation 3661061 (VCV003661061.2).
Genomic context (GRCh38, chr11:17,736,329, plus strand): 5'-GGAGCTGGCCTTCTGGGGCATCGACGAGACCGACGTGGAGCCCTGCTGCTGGATGACGTA[C>G]CGCCAGCACCGCGACGCCGAGGAGGCTCTGGACAGCTTCGGCGGCGCTCCTCTGGACAAC-3'

ClinVar aggregate classification (germline): Uncertain significance (1 of 4 stars; one submission).

Conditions:
Progressive myoclonic epilepsy type 7. Identifiers: Orphanet 435438, MedGen C4015420, MONDO:0014521, OMIM 616187.

Submission:

Labcorp Genetics (formerly Invitae), Labcorp
Classification: Uncertain significance for Progressive myoclonic epilepsy type 7. Last evaluated: 2024-07-31. Review status: criteria provided, single submitter. Criteria: Invitae Variant Classification Sherloc (09022015). Collection method: clinical testing. Allele origin: germline.
Comment: This sequence change creates a premature translational stop signal (p.Tyr109*) in the KCNC1 gene. It is expected to result in an absent or disrupted protein product. However, the current clinical and genetic evidence is not sufficient to establish whether loss-of-function variants in KCNC1 cause disease. This variant is not present in population databases (gnomAD no frequency). This variant has not been reported in the literature in individuals affected with KCNC1-related conditions. In summary, the available evidence is currently insufficient to determine the role of this variant in disease. Therefore, it has been classified as a Variant of Uncertain Significance.